The following is an entry in ClinVar:

NM_015450.3(POT1):c.1166A>C (p.Gln389Pro)

Gene: POT1 (protection of telomeres 1; minus strand). Cytogenetic location: 7q31.33.
Variant type: single nucleotide variant.
Coding change: c.1166A>C on transcript NM_015450.3 (MANE Select); coding-DNA position 1166, A replaced by C.
Protein change: p.Gln389Pro; replaces glutamine 389 with proline.
Molecular consequence: missense variant. On other transcripts: non-coding transcript variant (3).
Genome position (GRCh38, 1-based): chr7:124,841,176, T>G on the plus strand (A>C on the coding strand, the complement: POT1 is on the minus strand). VCF-style: chr7-124841176-T-G. GRCh37 (hg19) VCF-style: chr7-124481230-T-G.
Other names: c.773A>C, p.Gln258Pro (NM_001042594.2); short protein forms Q258P, Q389P.
Identifiers: ClinVar variation 3648363 (VCV003648363.2).

ClinVar aggregate classification (germline): Uncertain significance (1 of 4 stars; one submission).

Conditions:
Tumor predisposition syndrome 3 (TPDS3). Also called: Melanoma, cutaneous malignant, susceptibility to, 10; Glioma susceptibility 9; LONG TELOMERE SYNDROME, POT1-RELATED; POT1 Tumor Predisposition. Identifiers: Orphanet 618, MedGen C4014476, MONDO:0014368, OMIM 615848.

Submission:

Labcorp Genetics (formerly Invitae), Labcorp
Classification: Uncertain significance for Tumor predisposition syndrome 3. Last evaluated: 2024-04-01. Review status: criteria provided, single submitter. Criteria: Invitae Variant Classification Sherloc (09022015). Collection method: clinical testing. Allele origin: germline.
Comment: This sequence change replaces glutamine, which is neutral and polar, with proline, which is neutral and non-polar, at codon 389 of the POT1 protein (p.Gln389Pro). This variant is not present in population databases (gnomAD no frequency). This variant has not been reported in the literature in individuals affected with POT1-related conditions. An algorithm developed to predict the effect of missense changes on protein structure and function (PolyPhen-2) suggests that this variant is likely to be disruptive. In summary, the available evidence is currently insufficient to determine the role of this variant in disease. Therefore, it has been classified as a Variant of Uncertain Significance.